The following is an entry in ClinVar:

ClinVar aggregate classification (germline): Uncertain significance. Review status: criteria provided, multiple submitters, no conflicts (2 of 4 stars). 2 submissions from 2 submitters: Uncertain significance (2). Last evaluated 2026-10-13.

Conditions:
Nemaline myopathy 7 (NEM7). Also called: Nemaline myopathy 7, autosomal recessive. Identifiers: Orphanet 171436, MedGen C1853154, MONDO:0012538, OMIM 610687.

Allele frequency attached by ClinVar (database versions not stated): ExAC 0.00001; gnomAD exomes 0.00001.
gnomAD v4.1: 9 of 1,613,738 alleles (0.00056%); highest among the groups gnomAD compares: Non-Finnish European, 0.00076%; no homozygotes.

Submissions (2):

Harry Perkins Institute Of Medical Research, University Of Western Australia
Classification: Uncertain significance for Nemaline myopathy 7. Last evaluated: 2026-10-13. Review status: criteria provided, single submitter. Criteria: ACMG Guidelines, 2015. Collection method: research. Allele origin: maternal. Inheritance: Autosomal recessive inheritance. Affected: yes. Observed: 1 variant allele, 1 compound heterozygote.
Comment: PM2 (Variant not found in gnomAD genomes, good gnomAD genomes coverage = 31.5. GnomAD exomes homozygous allele count = 0 is less than 2 for AR gene CFL2, good gnomAD exomes coverage = 33.5), PP3 (AlphaMissense = 0.998 is greater than 0.992 ⇒ strong pathogenic. Limiting strength to Moderate due to co-occurrence with other predictive evidence), PS3_P (Associated with significantly reduced filamentous actin depolymerisation rates in vitro, Functional evidence available, see PMID: 40581737). Variant identified in trans with CFL2 c.283A>G.

Labcorp Genetics (formerly Invitae), Labcorp
Classification: Uncertain significance for Nemaline myopathy 7. Last evaluated: 2022-02-19. Review status: criteria provided, single submitter. Criteria: Invitae Variant Classification Sherloc (09022015). Collection method: clinical testing. Allele origin: germline.
Comment: In summary, the available evidence is currently insufficient to determine the role of this variant in disease. Therefore, it has been classified as a Variant of Uncertain Significance. Algorithms developed to predict the effect of missense changes on protein structure and function are either unavailable or do not agree on the potential impact of this missense change (SIFT: "Deleterious"; PolyPhen-2: "Probably Damaging"; Align-GVGD: "Class C15"). This variant has not been reported in the literature in individuals affected with CFL2-related conditions. This variant is present in population databases (rs756901142, gnomAD 0.0009%). This sequence change replaces aspartic acid, which is acidic and polar, with asparagine, which is neutral and polar, at codon 86 of the CFL2 protein (p.Asp86Asn).

Literature cited by the submitters: PubMed 40581737 (cited by Harry Perkins Institute Of Medical Research, University Of Western Australia).

NM_138638.5(CFL2):c.256G>A (p.Asp86Asn)

Gene: CFL2 (cofilin 2; minus strand). Cytogenetic location: 14q13.1.
Variant type: single nucleotide variant.
Coding change: c.256G>A on transcript NM_138638.5 (MANE Select); coding-DNA position 256, G replaced by A.
Protein change: p.Asp86Asn; replaces aspartic acid 86 with asparagine.
Molecular consequence: missense variant.
Genome position (GRCh38, 1-based): chr14:34,713,309, C>T on the plus strand (G>A on the coding strand, the complement: CFL2 is on the minus strand). VCF-style: chr14-34713309-C-T. GRCh37 (hg19) VCF-style: chr14-35182515-C-T.
Other names: c.205G>A, p.Asp69Asn (NM_001243645.2); c.256G>A, p.Asp86Asn (NM_021914.8); c.256G>A (NM_021914.7); short protein forms D69N, D86N.
Identifiers: ClinVar variation 2132309 (VCV002132309.5), dbSNP rs756901142, ClinGen allele CA7152313.